The following is an entry in ClinVar:

NM_182961.4(SYNE1):c.9776C>A (p.Ser3259Tyr)

Gene: SYNE1 (spectrin repeat containing nuclear envelope protein 1; minus strand). Cytogenetic location: 6q25.2.
Variant type: single nucleotide variant.
Coding change: c.9776C>A on transcript NM_182961.4 (MANE Select); coding-DNA position 9776, C replaced by A.
Protein change: p.Ser3259Tyr; replaces serine 3259 with tyrosine.
Molecular consequence: missense variant.
Genome position (GRCh38, 1-based): chr6:152,369,003, G>T on the plus strand (C>A on the coding strand, the complement: SYNE1 is on the minus strand). VCF-style: chr6-152369003-G-T. GRCh37 (hg19) VCF-style: chr6-152690138-G-T.
Other names: c.9797C>A, p.Ser3266Tyr (NM_033071.5); short protein forms S3259Y, S3266Y.
Identifiers: ClinVar variation 3357250 (VCV003357250.2).
Genomic context (GRCh38, chr6:152,369,003, plus strand): 5'-ACTCACACACAGCACGTGCCAGGCGTTACCTTTGTTAAATTGCTTAGCGCTAGATACTGA[G>T]AAGACAGCTGCGACACTCTGTGCCTAAAGCTCTTGCTGGCAGCTTGTCCTTCCCACAGCT-3'
Protein context (NP_892006.3, residues 3249-3269): SFRHRVSQLS[Ser3259Tyr]QYLALSNLTK

ClinVar aggregate classification (germline): Uncertain significance. Review status: criteria provided, single submitter (1 of 4 stars). 2 submissions from 2 submitters: Uncertain significance (1). 1 of the submissions does not count toward it. Last evaluated 2024-07-14.

Conditions:
SYNE1-related disorder. Also called: SYNE1-related disease; SYNE1-related condition; SYNE1-related disorders.

gnomAD v4.1: 14 of 1,614,092 alleles (0.00087%); highest among the groups gnomAD compares: African/African-American, 0.019%; no homozygotes.

Submissions (2):

GeneDx
Classification: Uncertain significance. Last evaluated: 2024-07-14. Review status: criteria provided, single submitter. Criteria: GeneDx Variant Classification Process June 2021. Collection method: clinical testing. Allele origin: germline. Affected: yes.
Comment: Not observed at significant frequency in large population cohorts (gnomAD); In silico analysis supports that this missense variant has a deleterious effect on protein structure/function; Has not been previously published as pathogenic or benign to our knowledge

PreventionGenetics, part of Exact Sciences
Classification: Uncertain significance for SYNE1-related condition. Last evaluated: 2024-05-29. Review status: no assertion criteria provided. Collection method: clinical testing. Allele origin: germline. Not counted in ClinVar's aggregate classification.
Comment: The SYNE1 c.9797C>A variant is predicted to result in the amino acid substitution p.Ser3266Tyr. To our knowledge, this variant has not been reported in the literature. This variant is reported in 0.012% of alleles in individuals of African descent in gnomAD. At this time, the clinical significance of this variant is uncertain due to the absence of conclusive functional and genetic evidence.